The following is an entry in ClinVar:

NM_020461.4(TUBGCP6):c.3440A>C (p.Asn1147Thr)

Gene: TUBGCP6 (tubulin gamma complex component 6; minus strand). Cytogenetic location: 22q13.33.
Variant type: single nucleotide variant.
Coding change: c.3440A>C on transcript NM_020461.4 (MANE Select); coding-DNA position 3440, A replaced by C.
Protein change: p.Asn1147Thr; replaces asparagine 1147 with threonine.
Molecular consequence: missense variant.
Genome position (GRCh38, 1-based): chr22:50,220,919, T>G on the plus strand (A>C on the coding strand, the complement: TUBGCP6 is on the minus strand). VCF-style: chr22-50220919-T-G. GRCh37 (hg19) VCF-style: chr22-50659348-T-G.
Other names: short protein forms N1147T.
Identifiers: ClinVar variation 426156 (VCV000426156.2), dbSNP rs1085307476, ClinGen allele CA412182452.

ClinVar aggregate classification (germline): Uncertain significance (1 of 4 stars; one submission).

Allele frequency attached by ClinVar (database versions not stated): gnomAD 0.00001; gnomAD exomes 0.00001.

Submission:

GeneDx
Classification: Uncertain significance. Last evaluated: 2017-04-28. Review status: criteria provided, single submitter. Criteria: GeneDx Variant Classification (06012015). Collection method: clinical testing. Allele origin: germline. Affected: yes.
Comment: The N1147T variant in the TUBGCP6 gene has not been reported previously as a pathogenic variant, nor as a benign variant, to our knowledge. The N1147T variant is not observed in large population cohorts (Lek et al., 2016; 1000 Genomes Consortium et al., 2015; Exome Variant Server). The N1147T variant is a conservative amino acid substitution, which is not likely to impact secondary protein structure as these residues share similar properties. This substitution occurs at a position that is not conserved. In silico analysis predicts this variant likely does not alter the protein structure/function. We interpret N1147T as a variant of uncertain significance.